The following is an entry in ClinVar:

NM_001364564.1(SALL2):c.2263T>C (p.Ser755Pro)

Gene: SALL2 (spalt like transcription factor 2; minus strand). Cytogenetic location: 14q11.2.
Variant type: single nucleotide variant.
Coding change: c.2263T>C on transcript NM_001364564.1 (MANE Select); coding-DNA position 2263, T replaced by C.
Protein change: p.Ser755Pro; replaces serine 755 with proline.
Molecular consequence: missense variant.
Genome position (GRCh38, 1-based): chr14:21,523,459, A>G on the plus strand (T>C on the coding strand, the complement: SALL2 is on the minus strand). VCF-style: chr14-21523459-A-G. GRCh37 (hg19) VCF-style: chr14-21991593-A-G.
Other names: c.2269T>C (NM_005407.1); c.1864T>C, p.Ser622Pro (NM_001291446.2); c.1858T>C, p.Ser620Pro (NM_001291447.2); c.2269T>C, p.Ser757Pro (NM_005407.3); short protein forms S620P, S757P, S622P, S755P.
Identifiers: ClinVar variation 2067346 (VCV002067346.5), dbSNP rs761075684, ClinGen allele CA7093518.

ClinVar aggregate classification (germline): Uncertain significance. Review status: criteria provided, multiple submitters, no conflicts (2 of 4 stars). 2 submissions from 2 submitters: Uncertain significance (2). Last evaluated 2025-04-14.

Allele frequency attached by ClinVar (database versions not stated): ExAC 0.00001; gnomAD 0.00001.
gnomAD v4.1: 2 of 1,613,858 alleles (0.00012%); highest among the groups gnomAD compares: Non-Finnish European, 0.00017%; no homozygotes.

Submissions (2):

Ambry Genetics
Classification: Uncertain significance. Last evaluated: 2025-04-14. Review status: criteria provided, single submitter. Criteria: Ambry Variant Classification Scheme 2023. Collection method: clinical testing. Allele origin: germline.

Labcorp Genetics (formerly Invitae), Labcorp
Classification: Uncertain significance. Last evaluated: 2022-03-10. Review status: criteria provided, single submitter. Criteria: Invitae Variant Classification Sherloc (09022015). Collection method: clinical testing. Allele origin: germline.
Comment: In summary, the available evidence is currently insufficient to determine the role of this variant in disease. Therefore, it has been classified as a Variant of Uncertain Significance. Algorithms developed to predict the effect of missense changes on protein structure and function (SIFT, PolyPhen-2, Align-GVGD) all suggest that this variant is likely to be tolerated. This variant has not been reported in the literature in individuals affected with SALL2-related conditions. This variant is present in population databases (rs761075684, gnomAD 0.0009%). This sequence change replaces serine, which is neutral and polar, with proline, which is neutral and non-polar, at codon 757 of the SALL2 protein (p.Ser757Pro).